The following is an entry in ClinVar:

NM_004268.5(MED17):c.1449C>G (p.Gly483=)

Gene: MED17 (mediator complex subunit 17; plus strand). Cytogenetic location: 11q21.
Variant type: single nucleotide variant.
Coding change: c.1449C>G on transcript NM_004268.5 (MANE Select); coding-DNA position 1449, C replaced by G.
Protein change: p.Gly483=; no amino-acid change (glycine 483 retained).
Molecular consequence: synonymous variant.
Genome position (GRCh38, 1-based): chr11:93,801,955, C>G. VCF-style: chr11-93801955-C-G. GRCh37 (hg19) VCF-style: chr11-93535121-C-G.
Identifiers: ClinVar variation 211480 (VCV000211480.13), dbSNP rs61754525, ClinGen allele CA206724.

ClinVar aggregate classification (germline): Conflicting classifications of pathogenicity. Review status: criteria provided, conflicting classifications (1 of 4 stars). 4 submissions from 4 submitters: Uncertain significance (2); Likely benign (1). 1 of the submissions does not count toward it. Last evaluated 2025-12-30.

Conditions:
Infantile cerebral and cerebellar atrophy with postnatal progressive microcephaly (MSBA). Identifiers: Orphanet 402364, MedGen C3150921, MONDO:0013351, OMIM 613668.

Allele frequency attached by ClinVar (database versions not stated): gnomAD 0.00004 and 0.00005; ExAC 0.00006; gnomAD exomes 0.00007 and 0.00009; TOPMed 0.00011; ESP Exome Variant Server 0.00015; 1000 Genomes Project 30x 0.00016; 1000 Genomes Project 0.00020.
gnomAD v4.1: 110 of 1,611,988 alleles (0.0068%); highest among the groups gnomAD compares: Middle Eastern, 0.099%; no homozygotes.

Submissions (5):

Labcorp Genetics (formerly Invitae), Labcorp
Classification: Likely benign. Last evaluated: 2025-12-30. Review status: criteria provided, single submitter. Criteria: Invitae Variant Classification Sherloc (09022015). Collection method: clinical testing. Allele origin: germline.

Baylor Genetics
Classification: Uncertain significance for Infantile cerebral and cerebellar atrophy with postnatal progressive microcephaly. Last evaluated: 2019-12-19. Review status: criteria provided, single submitter. Criteria: ACMG Guidelines, 2015. Collection method: clinical testing. Allele origin: unknown. Affected: yes.
Comment: This variant was determined to be of uncertain significance according to ACMG Guidelines, 2015 [PMID:25741868].

Genetic Services Laboratory, University of Chicago
Classification: Uncertain significance. Last evaluated: 2015-04-14. Review status: criteria provided, single submitter. Criteria: ACMG Guidelines, 2015. Collection method: clinical testing. Allele origin: germline.

Natera, Inc.
Classification: Uncertain significance for Postnatal progressive microcephaly with seizures and brain atrophy. Last evaluated: 2020-04-17. Review status: no assertion criteria provided. Collection method: clinical testing. Allele origin: germline. Not counted in ClinVar's aggregate classification.

Dr. Peter K. Rogan Lab, Western University
No classification provided (evidence only). Condition: Ovarian serous cystadenocarcinoma. Review status: no classification provided. Collection method: in vitro. Allele origin: not applicable. Functional consequence: retained intron. Not counted in ClinVar's aggregate classification.